The following is an entry in ClinVar:

ClinVar aggregate classification (germline): Uncertain significance (1 of 4 stars; one submission).

Conditions:
Multiple endocrine neoplasia, type 2 (MEN2). Identifiers: Orphanet 653, MedGen C4048306, MONDO:0019003. Disease mechanism: gain of function.

Submission:

Labcorp Genetics (formerly Invitae), Labcorp
Classification: Uncertain significance for Multiple endocrine neoplasia, type 2. Last evaluated: 2025-11-18. Review status: criteria provided, single submitter. Criteria: Invitae Variant Classification Sherloc (09022015). Collection method: clinical testing. Allele origin: germline.
Comment: This sequence change replaces serine, which is neutral and polar, with asparagine, which is neutral and polar, at codon 104 of the RET protein (p.Ser104Asn). This variant is not present in population databases (gnomAD no frequency). This variant has not been reported in the literature in individuals affected with RET-related conditions. An algorithm developed to predict the effect of missense changes on protein structure and function outputs the following: PolyPhen-2: "Benign". The asparagine amino acid residue is found in multiple mammalian species, which suggests that this missense change does not adversely affect protein function. In summary, the available evidence is currently insufficient to determine the role of this variant in disease. Therefore, it has been classified as a Variant of Uncertain Significance.

NM_020975.6(RET):c.311G>A (p.Ser104Asn)

Gene: RET (ret proto-oncogene; plus strand). Cytogenetic location: 10q11.21.
Variant type: single nucleotide variant.
Coding change: c.311G>A on transcript NM_020975.6 (MANE Select); coding-DNA position 311, G replaced by A.
Protein change: p.Ser104Asn; replaces serine 104 with asparagine.
Molecular consequence: missense variant. On other transcripts: intron variant (4).
Genome position (GRCh38, 1-based): chr10:43,100,696, G>A. VCF-style: chr10-43100696-G-A. GRCh37 (hg19) VCF-style: chr10-43596144-G-A.
Other names: c.311G>A, p.Ser104Asn (NM_001406771.1, NM_001406772.1, NM_001406773.1 and 32 more transcripts); c.74-8335G>A (NM_001406784.1); c.74-11403G>A (NM_001406794.1, NM_001406792.1, NM_001406793.1); short protein forms S104N.
Identifiers: ClinVar variation 4723453 (VCV004723453.1).